The following is an entry in ClinVar:

NM_000059.4(BRCA2):c.8331+1632G>A

Gene: BRCA2 (BRCA2 DNA repair associated; plus strand). Cytogenetic location: 13q13.1.
Variant type: single nucleotide variant.
Coding change: c.8331+1632G>A on transcript NM_000059.4 (MANE Select); 1632 bases into the intron after coding-DNA position 8331, G replaced by A.
Molecular consequence: intron variant.
Genome position (GRCh38, 1-based): chr13:32,365,165, G>A. VCF-style: chr13-32365165-G-A. GRCh37 (hg19) VCF-style: chr13-32939302-G-A.
Other names: IVS 18+1632G>A.
Identifiers: ClinVar variation 209788 (VCV000209788.1), dbSNP rs206099, ClinGen allele CA276756.
Genomic context (GRCh38, chr13:32,365,165, plus strand): 5'-CATTCTTTTTTTTTTTTTTTTTTTTTTTTTTTTGAGACAACGTCTCACTGTGTTACATAG[G>A]CTGGAGTGTTTCATTTTGTACAGATGAGGTCTCCCTGTGTTGCCTAGGCTGGTCTTGAAC-3'

ClinVar aggregate classification (germline): Benign (3 of 4 stars; one submission).

Conditions:
Breast-ovarian cancer, familial, susceptibility to, 2 (BROVCA2). Also called: BRCA2 Hereditary Breast and Ovarian Cancer. Identifiers: Orphanet 145, MedGen C2675520, MONDO:0012933, OMIM 612555. Disease mechanism: loss of function.

Allele frequency attached by ClinVar (database versions not stated): TOPMed 0.20601; 1000 Genomes Project 0.22065; 1000 Genomes Project 30x 0.22158; gnomAD 0.23246 and 0.23439.
gnomAD v4.1: 27,256 of 116,004 alleles (23%); highest among the groups gnomAD compares: Middle Eastern, 37%; 2,932 homozygotes.

Submission:

Evidence-based Network for the Interpretation of Germline Mutant Alleles (ENIGMA)
Classification: Benign for Breast-ovarian cancer, familial 2. Last evaluated: 2015-01-12. Review status: reviewed by expert panel. Criteria: ENIGMA BRCA1/2 Classification Criteria (2015). Collection method: curation. Allele origin: germline.
Comment: Class 1 not pathogenic based on frequency >1% in an outbred sampleset. Frequency 0.2535 (Asian), 0.2012 (African), 0.215 (European), derived from 1000 genomes (2012-04-30).